The following is an entry in ClinVar:

ClinVar aggregate classification (germline): Benign. Review status: criteria provided, multiple submitters, no conflicts (2 of 4 stars). 2 submissions from 2 submitters: Benign (2). Last evaluated 2018-01-13.

Conditions:
Fanconi anemia complementation group A (FANCA). Also called: Fanconi anemia, group A; FANCA-Related Fanconi Anemia. Identifiers: Orphanet 84, MedGen C3469521, MONDO:0009215, OMIM 227650.

Allele frequency attached by ClinVar (database versions not stated): gnomAD 0.04351 and 0.04389; TOPMed 0.04545; 1000 Genomes Project 0.06210; 1000 Genomes Project 30x 0.06262.
gnomAD v4.1: 20,851 of 1,096,920 alleles (1.9%); highest among the groups gnomAD compares: African/African-American, 12%; 763 homozygotes.

Submissions (2):

Illumina Laboratory Services, Illumina
Classification: Benign for Fanconi anemia complementation group A. Last evaluated: 2018-01-13. Review status: criteria provided, single submitter. Criteria: ICSL Variant Classification Criteria 13 December 2019. Collection method: clinical testing. Allele origin: germline.
Comment: This variant was observed in the ICSL laboratory as part of a predisposition screen in an ostensibly healthy population. It had not been previously curated by ICSL or reported in the Human Gene Mutation Database (HGMD: prior to June 1st, 2018), and was therefore a candidate for classification through an automated scoring system. Utilizing variant allele frequency, disease prevalence and penetrance estimates, and inheritance mode, an automated score was calculated to assess if this variant is too frequent to cause the disease. Based on the score and internal cut-off values, a variant classified as benign is not then subjected to further curation. The score for this variant resulted in a classification of benign for this disease.

Breakthrough Genomics
Classification: Benign. Review status: criteria provided, single submitter. Criteria: ACMG Guidelines, 2015. Collection method: not provided. Allele origin: germline. Inheritance: Autosomal recessive inheritance. Affected: yes.

NM_000135.4(FANCA):c.*986G>A

Genes: FANCA (FA complementation group A; minus strand), ZNF276 (zinc finger protein 276; plus strand). Cytogenetic location: 16q24.3.
Variant type: single nucleotide variant.
Coding change: c.*986G>A on transcript NM_000135.4 (MANE Select); 986 bases downstream of the stop codon, G replaced by A.
Molecular consequence: 3 prime UTR variant. On other transcripts: intron variant (2).
Genome position (GRCh38, 1-based): chr16:89,737,615, C>T on the plus strand (G>A on the coding strand, the complement: FANCA is on the minus strand). VCF-style: chr16-89737615-C-T. GRCh37 (hg19) VCF-style: chr16-89804023-C-T.
Other names: c.*1083G>A (NM_001286167.3); c.1250-191C>T (NM_152287.4); c.1475-191C>T (NM_001113525.2).
Identifiers: ClinVar variation 321304 (VCV000321304.6), dbSNP rs16966023, ClinGen allele CA10644624.